The following is an entry in ClinVar:

ClinVar aggregate classification (germline): Uncertain significance (1 of 4 stars; one submission).

Submission:

Women's Health and Genetics/Laboratory Corporation of America, LabCorp
Classification: Uncertain significance. Last evaluated: 2025-11-17. Review status: criteria provided, single submitter. Criteria: LabCorp Variant Classification Summary - May 2015. Collection method: clinical testing. Allele origin: germline.
Comment: Variant summary: The variant involves the deletion of exons 5-14 in the NPHP1 gene. A presumed nomenclature of c.(329+1_330-1)_(1520+1_1521-1)del has been designated for the purposes of this classification. This Copy Number Variant (CNV) is predicted to result in an in-frame deletion within this gene. Loss-of-function variants in this gene are known to be pathogenic. However, to our knowledge no variants located within the deleted region that are not expected to undergo NMD and/or impact splicing have been classified as pathogenic/likely pathogenic. The variant was absent in 21694 control chromosomes. The available data on variant occurrences in the general population are insufficient to allow any conclusion about variant significance. To our knowledge, no occurrence of c.(329+1_330-1)_(1520+1_1521-1)del in individuals affected with NPHP1-related conditions and no experimental evidence demonstrating its impact on protein function have been reported. No submitters have cited clinical-significance assessments for this variant to ClinVar. Based on the evidence outlined above, the variant was classified as uncertain significance.

NC_000002.11:g.(110902147_110904329)_(110927576_110935999)del

Gene: NPHP1 (nephrocystin 1; minus strand). Cytogenetic location: 2q13.
Variant type: Deletion.
Identifiers: ClinVar variation 4536662 (VCV004536662.1).